The following is an entry in ClinVar:

ClinVar aggregate classification (germline): Uncertain significance (1 of 4 stars; one submission).

Allele frequency attached by ClinVar (database versions not stated): gnomAD exomes below 0.00001.

Submission:

Labcorp Genetics (formerly Invitae), Labcorp
Classification: Uncertain significance. Last evaluated: 2024-01-15. Review status: criteria provided, single submitter. Criteria: Invitae Variant Classification Sherloc (09022015). Collection method: clinical testing. Allele origin: germline.
Comment: This sequence change replaces isoleucine, which is neutral and non-polar, with leucine, which is neutral and non-polar, at codon 298 of the CLCN6 protein (p.Ile298Leu). This variant is present in population databases (no rsID available, gnomAD 0.0009%). This variant has not been reported in the literature in individuals affected with CLCN6-related conditions. An algorithm developed to predict the effect of missense changes on protein structure and function (PolyPhen-2) suggests that this variant is likely to be tolerated. In summary, the available evidence is currently insufficient to determine the role of this variant in disease. Therefore, it has been classified as a Variant of Uncertain Significance.

NM_001286.5(CLCN6):c.892A>C (p.Ile298Leu)

Gene: CLCN6 (chloride voltage-gated channel 6; plus strand). Cytogenetic location: 1p36.22.
Variant type: single nucleotide variant.
Coding change: c.892A>C on transcript NM_001286.5 (MANE Select); coding-DNA position 892, A replaced by C.
Protein change: p.Ile298Leu; replaces isoleucine 298 with leucine.
Molecular consequence: missense variant. On other transcripts: non-coding transcript variant (1).
Genome position (GRCh38, 1-based): chr1:11,828,157, A>C. VCF-style: chr1-11828157-A-C. GRCh37 (hg19) VCF-style: chr1-11888214-A-C.
Other names: c.826A>C, p.Ile276Leu (NM_001256959.2); short protein forms I276L, I298L.
Identifiers: ClinVar variation 2840037 (VCV002840037.3), dbSNP rs1376907702, ClinGen allele CA338429684.